The following is an entry in ClinVar:

ClinVar aggregate classification (germline): Conflicting classifications of pathogenicity. Review status: criteria provided, conflicting classifications (1 of 4 stars). 4 submissions from 4 submitters: Uncertain significance (1); Likely benign (3). Last evaluated 2025-11-25.

Conditions:
SERPINA1-related disorder. Also called: SerpinA1-related disorders; SERPINA1-related condition.
Inborn genetic diseases. Identifiers: MedGen C0950123, MeSH D030342.
Alpha-1-antitrypsin deficiency (A1ATD). Also called: AAT deficiency; A1AT deficiency; Alpha1-Antitrypsin Deficiency. Identifiers: Orphanet 60, MedGen C0221757, MONDO:0013282, OMIM 613490.

Allele frequency attached by ClinVar (database versions not stated): gnomAD exomes 0.00002 and 0.00005; ExAC 0.00007; ESP Exome Variant Server 0.00008; TOPMed 0.00013; gnomAD 0.00016.
gnomAD v4.1: 89 of 1,614,224 alleles (0.0055%); highest among the groups gnomAD compares: African/African-American, 0.059%; no homozygotes.

Submissions (4):

Labcorp Genetics (formerly Invitae), Labcorp
Classification: Likely benign for Alpha-1-antitrypsin deficiency. Last evaluated: 2025-11-25. Review status: criteria provided, single submitter. Criteria: Invitae Variant Classification Sherloc (09022015). Collection method: clinical testing. Allele origin: germline.

PreventionGenetics, part of Exact Sciences
Classification: Likely benign for SERPINA1-related condition. Last evaluated: 2024-11-12. Review status: criteria provided, single submitter. Criteria: ACMG Guidelines, 2015. Collection method: clinical testing. Allele origin: germline.
Comment: This variant is classified as likely benign based on ACMG/AMP sequence variant interpretation guidelines (Richards et al. 2015 PMID: 25741868, with internal and published modifications).

Ambry Genetics
Classification: Likely benign for Inborn genetic diseases. Last evaluated: 2021-02-26. Review status: criteria provided, single submitter. Criteria: Ambry Variant Classification Scheme 2023. Collection method: clinical testing. Allele origin: germline.

Eurofins Ntd Llc (ga)
Classification: Uncertain significance. Last evaluated: 2016-12-20. Review status: criteria provided, single submitter. Criteria: EGL Classification Definitions 2015. Collection method: clinical testing. Allele origin: germline. Observed: 1 variant allele, 1 heterozygote.

NM_000295.5(SERPINA1):c.546C>T (p.Asn182=)

Gene: SERPINA1 (serpin family A member 1; minus strand). Cytogenetic location: 14q32.13.
Variant type: single nucleotide variant.
Coding change: c.546C>T on transcript NM_000295.5 (MANE Select); coding-DNA position 546, C replaced by T.
Protein change: p.Asn182=; no amino-acid change (asparagine 182 retained).
Molecular consequence: synonymous variant.
Genome position (GRCh38, 1-based): chr14:94,382,692, G>A on the plus strand (C>T on the coding strand, the complement: SERPINA1 is on the minus strand). VCF-style: chr14-94382692-G-A. GRCh37 (hg19) VCF-style: chr14-94849029-G-A.
Other names: c.546C>T, p.Asn182= (NM_001002235.3, NM_001002236.3, NM_001127700.2 and 7 more transcripts).
Identifiers: ClinVar variation 499352 (VCV000499352.16), dbSNP rs113813309, ClinGen allele CA7327475.